The following is an entry in ClinVar:

ClinVar aggregate classification (germline): Uncertain significance (1 of 4 stars; one submission).

Conditions:
Familial cancer of breast. Also called: Hereditary breast cancer; BREAST CANCER, FAMILIAL; hereditary breast carcinoma. Identifiers: Orphanet 227535, MedGen C0346153, MONDO:0016419, OMIM 114480. Disease mechanism: loss of function.

Submission:

Labcorp Genetics (formerly Invitae), Labcorp
Classification: Uncertain significance for Familial cancer of breast. Last evaluated: 2024-12-17. Review status: criteria provided, single submitter. Criteria: Invitae Variant Classification Sherloc (09022015). Collection method: clinical testing. Allele origin: germline.
Comment: This sequence change replaces alanine, which is neutral and non-polar, with proline, which is neutral and non-polar, at codon 190 of the CHEK2 protein (p.Ala190Pro). This variant is not present in population databases (gnomAD no frequency). This variant has not been reported in the literature in individuals affected with CHEK2-related conditions. An algorithm developed to predict the effect of missense changes on protein structure and function (PolyPhen-2) suggests that this variant is likely to be disruptive. In summary, the available evidence is currently insufficient to determine the role of this variant in disease. Therefore, it has been classified as a Variant of Uncertain Significance.

NM_007194.4(CHEK2):c.568G>C (p.Ala190Pro)

Gene: CHEK2 (checkpoint kinase 2; minus strand). Cytogenetic location: 22q12.1.
Variant type: single nucleotide variant.
Coding change: c.568G>C on transcript NM_007194.4 (MANE Select); coding-DNA position 568, G replaced by C.
Protein change: p.Ala190Pro; replaces alanine 190 with proline.
Molecular consequence: missense variant. On other transcripts: 5 prime UTR variant (2), intron variant (1).
Genome position (GRCh38, 1-based): chr22:28,725,001, C>G on the plus strand (G>C on the coding strand, the complement: CHEK2 is on the minus strand). VCF-style: chr22-28725001-C-G. GRCh37 (hg19) VCF-style: chr22-29120989-C-G.
Other names: c.697G>C, p.Ala233Pro (NM_001005735.3, NM_001438294.1); c.-210G>C (NM_001257387.3); c.-96G>C (NM_001437942.1); c.661G>C, p.Ala221Pro (NM_001438293.1, NM_001438295.1); c.568G>C, p.Ala190Pro (NM_145862.3); c.445-78G>C (NM_001349956.3); short protein forms A190P, A233P, A221P.
Identifiers: ClinVar variation 3727436 (VCV003727436.2).